The following is an entry in ClinVar:

ClinVar aggregate classification (germline): Likely benign. Review status: criteria provided, single submitter (1 of 4 stars). 2 submissions from 2 submitters: Likely benign (1). 1 of the submissions does not count toward it. Last evaluated 2024-03-18.

Conditions:
TMEM67-related disorder. Also called: TMEM67-related disorders; TMEM67-related condition. Identifiers: MedGen CN239423.

Submissions (2):

Blueprint Genetics
Classification: Likely benign. Last evaluated: 2024-03-18. Review status: criteria provided, single submitter. Criteria: ACMG Guidelines, 2015. Collection method: clinical testing. Allele origin: germline.

PreventionGenetics, part of Exact Sciences
Classification: Likely benign for TMEM67-related condition. Last evaluated: 2019-11-13. Review status: no assertion criteria provided. Collection method: clinical testing. Allele origin: germline. Not counted in ClinVar's aggregate classification.
Comment: This variant is classified as likely benign based on ACMG/AMP sequence variant interpretation guidelines (Richards et al. 2015 PMID: 25741868, with internal and published modifications).

NM_153704.6(TMEM67):c.224-12_224-3del

Gene: TMEM67 (transmembrane protein 67; plus strand). Cytogenetic location: 8q22.1.
Variant type: Deletion.
Coding change: c.224-12_224-3del on transcript NM_153704.6 (MANE Select); 12 bases into the intron before coding-DNA position 224 through 3 bases into the intron before coding-DNA position 224, 10 bases deleted (TTTTTTTTTT; older notation c.224-12_224-3delTTTTTTTTTT).
Molecular consequence: intron variant.
Genome position (GRCh38, 1-based): chr8:93,755,766-93,755,775, TTTTTTTTTT deleted; deleting any 10 consecutive bases within chr8:93,755,752-93,755,775 gives the same sequence; the c. name uses the placement nearest the transcript's 3' end. VCF-style (leftmost placement, unchanged base first): chr8-93755751-CTTTTTTTTTT-C. GRCh37 (hg19) VCF-style: chr8-94767979-CTTTTTTTTTT-C.
Other names: c.-62+629_-62+638del (NM_001142301.1).
Identifiers: ClinVar variation 3043185 (VCV003043185.3), dbSNP rs587779735, ClinGen allele CA1803210691.